The following is an entry in ClinVar:

NM_001376571.1(MADD):c.3005A>G (p.Glu1002Gly)

Gene: MADD (MAP kinase activating death domain; plus strand). Cytogenetic location: 11p11.2.
Variant type: single nucleotide variant.
Coding change: c.3005A>G on transcript NM_001376571.1 (MANE Select); coding-DNA position 3005, A replaced by G.
Protein change: p.Glu1002Gly; replaces glutamic acid 1002 with glycine.
Molecular consequence: missense variant. On other transcripts: non-coding transcript variant (7), intron variant (1).
Genome position (GRCh38, 1-based): chr11:47,290,150, A>G. VCF-style: chr11-47290150-A-G. GRCh37 (hg19) VCF-style: chr11-47311701-A-G.
Other names: c.3005A>G, p.Glu1002Gly (NM_001376605.1, NM_001376606.1, NM_001376609.1 and 11 more transcripts); c.2876A>G, p.Glu959Gly (NM_001376607.1, NM_001376581.1, NM_001376582.1 and 15 more transcripts); c.2945A>G, p.Glu982Gly (NM_001376608.1, NM_001376610.1, NM_001376612.1 and 12 more transcripts); c.2843A>G, p.Glu948Gly (NM_001376611.1, NM_001376613.1, NM_001376614.1 and 1 more transcripts); c.2816A>G, p.Glu939Gly (NM_001376585.1, NM_001376595.1, NM_001376645.1 and 20 more transcripts); c.2801A>G, p.Glu934Gly (NM_001376626.1, NM_001376648.1); c.2672A>G, p.Glu891Gly (NM_001376627.1, NM_001376646.1, NM_001376654.1 and 2 more transcripts); c.2918A>G, p.Glu973Gly (NM_001376631.1, NM_001376578.1); and 9 more; short protein forms E1002G, E1008G, E760G, E871G, E891G, E905G, E914G, E930G.
Identifiers: ClinVar variation 4882645 (VCV004882645.2).

ClinVar aggregate classification (germline): Uncertain significance (1 of 4 stars; one submission).

Submission:

Dasa
Classification: Uncertain significance. Last evaluated: 2025-04-25. Review status: criteria provided, single submitter. Criteria: DASA Assertion Criteria. Collection method: clinical testing. Allele origin: germline.
Comment: NM_001376571.1(MADD):c.3005A>G (p.Glu1002Gly) is a missense variant that results in the substitution of glutamic acid with glycine. This variant has been observed in affected individuals with MADD-related disorders. Also, this variant is absent from population databases. The currently available literature and clinical evidence are not sufficient to establish a definitive association between this variant and the reported condition. Therefore, this variant is classified as a variant of uncertain significance.